The following is an entry in ClinVar:

ClinVar aggregate classification (germline): Uncertain significance (1 of 4 stars; one submission).

gnomAD v4.1: 1 of 1,613,836 alleles (0.000062%); highest among the groups gnomAD compares: South Asian, 0.0011%; no homozygotes.

Submission:

Ambry Genetics
Classification: Uncertain significance. Last evaluated: 2025-08-23. Review status: criteria provided, single submitter. Criteria: Ambry Variant Classification Scheme 2023. Collection method: clinical testing. Allele origin: germline.
Comment: The p.M332V variant (also known as c.994A>G), located in coding exon 5 of the GALNT12 gene, results from an A to G substitution at nucleotide position 994. The methionine at codon 332 is replaced by valine, an amino acid with highly similar properties. This amino acid position is conserved. In addition, this alteration is predicted to be deleterious by in silico analysis. Based on the available evidence, the clinical significance of this variant remains unclear.

NM_024642.5(GALNT12):c.994A>G (p.Met332Val)

Gene: GALNT12 (polypeptide N-acetylgalactosaminyltransferase 12; plus strand). Cytogenetic location: 9q22.33.
Variant type: single nucleotide variant.
Coding change: c.994A>G on transcript NM_024642.5 (MANE Select); coding-DNA position 994, A replaced by G.
Protein change: p.Met332Val; replaces methionine 332 with valine.
Molecular consequence: missense variant.
Genome position (GRCh38, 1-based): chr9:98,835,325, A>G. VCF-style: chr9-98835325-A-G. GRCh37 (hg19) VCF-style: chr9-101597607-A-G.
Other names: short protein forms M332V.
Identifiers: ClinVar variation 4261505 (VCV004261505.1).